The following is an entry in ClinVar:

NM_001943.5(DSG2):c.2504_2505inv (p.Thr835Met)

Genes: DSG2 (desmoglein 2; plus strand), DSG2-AS1 (DSG2 antisense RNA 1; minus strand). Cytogenetic location: 18q12.1.
Variant type: Inversion.
Coding change: c.2504_2505inv on transcript NM_001943.5 (MANE Select).
Protein change: p.Thr835Met; replaces threonine 835 with methionine.
Molecular consequence: missense variant. On other transcripts: non-coding transcript variant (1).
Genome position: GRCh38 VCF-style: chr18-31545890-CA-TG. GRCh37 (hg19) VCF-style: chr18-29125853-CA-TG.
Other names: c.2504_2505delCAinsTG (NM_001943.3); short protein forms T835M.
Identifiers: ClinVar variation 972598 (VCV000972598.10), ClinGen allele CA1139666012.

ClinVar aggregate classification (germline): Uncertain significance. Review status: criteria provided, multiple submitters, no conflicts (2 of 4 stars). 2 submissions from 2 submitters: Uncertain significance (2). Last evaluated 2025-09-12.

Conditions:
Cardiovascular phenotype. Identifiers: MedGen CN230736.
Arrhythmogenic right ventricular dysplasia 10. Also called: Arrhythmogenic Right Ventricular Dysplasia/Cardiomyopathy10; Arrhythmogenic right ventricular dysplasia/cardiomyopathy, type 10; ARRHYTHMOGENIC RIGHT VENTRICULAR DYSPLASIA, FAMILIAL, 10. Identifiers: MedGen C1857777, MONDO:0012434, OMIM 610193.

Submissions (2):

Labcorp Genetics (formerly Invitae), Labcorp
Classification: Uncertain significance for Arrhythmogenic right ventricular dysplasia 10. Last evaluated: 2025-09-12. Review status: criteria provided, single submitter. Criteria: Invitae Variant Classification Sherloc (09022015). Collection method: clinical testing. Allele origin: germline.
Comment: This sequence change replaces threonine, which is neutral and polar, with methionine, which is neutral and non-polar, at codon 835 of the DSG2 protein (p.Thr835Met). The frequency data for this variant in the population databases is considered unreliable, as metrics indicate poor data quality at this position in the gnomAD database. This variant has not been reported in the literature in individuals affected with DSG2-related conditions. ClinVar contains an entry for this variant (Variation ID: 972598). An algorithm developed to predict the effect of missense changes on protein structure and function (PolyPhen-2) suggests that this variant is likely to be disruptive. In summary, the available evidence is currently insufficient to determine the role of this variant in disease. Therefore, it has been classified as a Variant of Uncertain Significance.

Ambry Genetics
Classification: Uncertain significance for Cardiovascular phenotype. Last evaluated: 2022-02-17. Review status: criteria provided, single submitter. Criteria: Ambry Variant Classification Scheme 2023. Collection method: clinical testing. Allele origin: germline.
Comment: The c.2504_2505delCAinsTG variant (also known as p.T835M), located in coding exon 15 of the DSG2 gene, results from an in-frame deletion of CA and insertion of TG at nucleotide positions 2504 to 2505. This results in the substitution of the threonine residue for a methionine residue at codon 835, an amino acid with similar properties. This amino acid position is well conserved in available vertebrate species. In addition, the in silico prediction for this alteration is inconclusive (Choi Y et al. PLoS ONE. 2012; 7(10):e46688). Since supporting evidence is limited at this time, the clinical significance of this alteration remains unclear.